The following is an entry in ClinVar:

NM_002711.4(PPP1R3A):c.3259A>G (p.Ile1087Val)

Gene: PPP1R3A (protein phosphatase 1 regulatory subunit 3A; minus strand). Cytogenetic location: 7q31.1.
Variant type: single nucleotide variant.
Coding change: c.3259A>G on transcript NM_002711.4 (MANE Select); coding-DNA position 3259, A replaced by G.
Protein change: p.Ile1087Val; replaces isoleucine 1087 with valine.
Molecular consequence: missense variant.
Genome position (GRCh38, 1-based): chr7:113,877,833, T>C on the plus strand (A>G on the coding strand, the complement: PPP1R3A is on the minus strand). VCF-style: chr7-113877833-T-C. GRCh37 (hg19) VCF-style: chr7-113517888-T-C.
Other names: short protein forms I1087V.
Identifiers: ClinVar variation 393399 (VCV000393399.5), dbSNP rs77456357, ClinGen allele CA4444940.

ClinVar aggregate classification (germline): Benign/Likely benign. Review status: criteria provided, multiple submitters, no conflicts (2 of 4 stars). 3 submissions from 3 submitters: Benign (2); Likely benign (1). Last evaluated 2024-11-25.

Conditions:
Monogenic diabetes. Identifiers: Orphanet 183625, MedGen C3888631, MONDO:0015967.

Allele frequency attached by ClinVar (database versions not stated): gnomAD exomes 0.00069 and 0.00194; ExAC 0.00243; gnomAD 0.00745 and 0.00795; ESP Exome Variant Server 0.00777; TOPMed 0.00800; 1000 Genomes Project 30x 0.00843; 1000 Genomes Project 0.00879.
gnomAD v4.1: 2,181 of 1,609,466 alleles (0.14%); highest among the groups gnomAD compares: African/African-American, 2.5%; 28 homozygotes.

Submissions (3):

Blueprint Genetics
Classification: Likely benign. Last evaluated: 2024-11-25. Review status: criteria provided, single submitter. Criteria: ACMG Guidelines, 2015. Collection method: clinical testing. Allele origin: germline.

Personalized Diabetes Medicine Program, University of Maryland School of Medicine
Classification: Benign for Monogenic diabetes. Last evaluated: 2018-12-21. Review status: criteria provided, single submitter. Criteria: ACMG Guidelines, 2015. Collection method: research. Allele origin: unknown. Observed: 3 variant alleles, 3 heterozygotes.
Comment: ACMG criteria: BP4 (REVEL 0.027 + 10 predictors), BS2 (75 cases and 66 controls in T2DM), BA1 (2.6% MAF in gnomAD African)= benign

Breakthrough Genomics
Classification: Benign. Review status: criteria provided, single submitter. Criteria: ACMG Guidelines, 2015. Collection method: not provided. Allele origin: germline. Inheritance: Autosomal dominant inheritance. Affected: yes.